The following is an entry in ClinVar:

ClinVar aggregate classification (germline): Conflicting classifications of pathogenicity. Review status: criteria provided, conflicting classifications (1 of 4 stars). 4 submissions from 4 submitters: Pathogenic (1); Uncertain significance (3). Last evaluated 2025-04-16.

Conditions:
Charcot-Marie-Tooth disease type 2A2. Also called: HEREDITARY MOTOR AND SENSORY NEUROPATHY IIA2; HMSN IIA2; Charcot-Marie-Tooth Neuropathy Type 2A2; CHARCOT-MARIE-TOOTH DISEASE, AXONAL, AUTOSOMAL DOMINANT, TYPE 2A2A; CHARCOT-MARIE-TOOTH DISEASE, AXONAL, TYPE 2A2; CHARCOT-MARIE-TOOTH DISEASE, NEURONAL, TYPE 2A2. Identifiers: Orphanet 99947, MedGen C4721887, MONDO:0012231, OMIM 609260.
Charcot-Marie-Tooth disease type 2. Also called: Charcot-Marie-Tooth type 2. Identifiers: Orphanet 64746, MedGen C0270914, MONDO:0018993.

Allele frequency attached by ClinVar (database versions not stated): gnomAD 0.00001; TOPMed 0.00001; gnomAD exomes below 0.00001.
gnomAD v4.1: 3 of 1,614,072 alleles (0.00019%); highest among the groups gnomAD compares: Admixed American, 0.005%; no homozygotes.

Submissions (4):

3billion
Classification: Uncertain significance for Charcot-Marie-Tooth disease type 2A2. Last evaluated: 2025-04-16. Review status: criteria provided, single submitter. Criteria: ACMG Guidelines, 2015. Collection method: clinical testing. Allele origin: germline. Affected: yes.

GeneDx
Classification: Uncertain significance. Last evaluated: 2024-09-17. Review status: criteria provided, single submitter. Criteria: GeneDx Variant Classification Process June 2021. Collection method: clinical testing. Allele origin: germline. Affected: yes.
Comment: Reported in an individual with severe axonal Charcot-Marie-Tooth disease (CMT) who also harbored GDAP1 variant (PMID: 33187793); Not observed at significant frequency in large population cohorts (gnomAD); In silico analysis indicates that this missense variant does not alter protein structure/function; This variant is associated with the following publications: (PMID: 35449525, 33187793, 35153971, 36087940)

Labcorp Genetics (formerly Invitae), Labcorp
Classification: Pathogenic for Charcot-Marie-Tooth disease type 2. Last evaluated: 2023-11-03. Review status: criteria provided, single submitter. Criteria: Invitae Variant Classification Sherloc (09022015). Collection method: clinical testing. Allele origin: germline.
Comment: This sequence change replaces leucine, which is neutral and non-polar, with valine, which is neutral and non-polar, at codon 741 of the MFN2 protein (p.Leu741Val). This variant is present in population databases (no rsID available, gnomAD 0.003%). This missense change has been observed in individuals with clinical features of autosomal dominant Charcot-Marie-Tooth disease (PMID: 33187793; Invitae). It has also been observed to segregate with disease in related individuals. ClinVar contains an entry for this variant (Variation ID: 408322). Advanced modeling of protein sequence and biophysical properties (such as structural, functional, and spatial information, amino acid conservation, physicochemical variation, residue mobility, and thermodynamic stability) performed at Invitae indicates that this missense variant is expected to disrupt MFN2 protein function with a positive predictive value of 95%. This variant disrupts the p.Leu741 amino acid residue in MFN2. Other variant(s) that disrupt this residue have been determined to be pathogenic (PMID: 29341354, 31127728). This suggests that this residue is clinically significant, and that variants that disrupt this residue are likely to be disease-causing. For these reasons, this variant has been classified as Pathogenic.

Revvity Omics, Revvity
Classification: Uncertain significance. Last evaluated: 2019-11-21. Review status: criteria provided, single submitter. Criteria: ACMG Guidelines, 2015. Collection method: clinical testing. Allele origin: germline.

Literature cited by the submitters: PubMed 33187793 (cited by 3billion and Labcorp Genetics (formerly Invitae), Labcorp); PubMed 28660751 (cited by 3billion); PubMed 29341354 (cited by Labcorp Genetics (formerly Invitae), Labcorp); PubMed 31127728 (cited by Labcorp Genetics (formerly Invitae), Labcorp).

NM_014874.4(MFN2):c.2221T>G (p.Leu741Val)

Gene: MFN2 (mitofusin 2; plus strand). Cytogenetic location: 1p36.22.
Variant type: single nucleotide variant.
Coding change: c.2221T>G on transcript NM_014874.4 (MANE Select); coding-DNA position 2221, T replaced by G.
Protein change: p.Leu741Val; replaces leucine 741 with valine.
Molecular consequence: missense variant.
Genome position (GRCh38, 1-based): chr1:12,011,512, T>G. VCF-style: chr1-12011512-T-G. GRCh37 (hg19) VCF-style: chr1-12071569-T-G.
Other names: c.2221T>G, p.Leu741Val (NM_001127660.2); short protein forms L741V.
Identifiers: ClinVar variation 408322 (VCV000408322.16), dbSNP rs1060501917, ClinGen allele CA16609871.
Genomic context (GRCh38, chr1:12,011,512, plus strand): 5'-CTATCATCAGCTATCATGGTTACAAAAGAACCATTTCTTTGCAGGAATAAAGCCGGTTGG[T>G]TGGACAGTGAGCTCAACATGTTCACACACCAGTACCTGCAGCCCAGCAGATAGTGGGCAC-3'
Protein context (NP_055689.1, residues 731-751): AKLLRNKAGW[Leu741Val]DSELNMFTHQ